The following is an entry in ClinVar:

NM_000548.5(TSC2):c.2838-10C>T

Gene: TSC2 (TSC complex subunit 2; plus strand). Cytogenetic location: 16p13.3.
Variant type: single nucleotide variant.
Coding change: c.2838-10C>T on transcript NM_000548.5 (MANE Select); 10 bases into the intron before coding-DNA position 2838, C replaced by T.
Molecular consequence: intron variant.
Genome position (GRCh38, 1-based): chr16:2,077,588, C>T. VCF-style: chr16-2077588-C-T. GRCh37 (hg19) VCF-style: chr16-2127589-C-T.
Other names: c.2838-10C>T (NM_001114382.3); c.2837+1003C>T (NM_021055.3, NM_001370405.1, NM_001363528.2 and 2 more transcripts); c.2726+1003C>T (NM_001318827.2); c.2237+1003C>T (NM_001318831.2); c.2690+1003C>T (NM_001318829.2); c.2870+1003C>T (NM_001318832.2).
Identifiers: ClinVar variation 767092 (VCV000767092.42), dbSNP rs1596374422, ClinGen allele CA915946286.

ClinVar aggregate classification (germline): Conflicting classifications of pathogenicity. Review status: criteria provided, conflicting classifications (1 of 4 stars). 4 submissions from 4 submitters: Uncertain significance (1); Likely benign (3). Last evaluated 2025-12-02.

Conditions:
Tuberous sclerosis syndrome (TSC). Also called: Tuberous sclerosis; Tuberous Sclerosis Complex. Identifiers: Orphanet 805, MedGen C0041341, MONDO:0001734.
Tuberous sclerosis 2 (TSC2). Identifiers: Orphanet 805, MedGen C1860707, MONDO:0013199, OMIM 613254.

Allele frequency attached by ClinVar (database versions not stated): TOPMed below 0.00001; gnomAD exomes 0.00003.
gnomAD v4.1: 50 of 1,612,822 alleles (0.0031%); highest among the groups gnomAD compares: Non-Finnish European, 0.0042%; no homozygotes.

Submissions (4):

Labcorp Genetics (formerly Invitae), Labcorp
Classification: Likely benign for Tuberous sclerosis 2. Last evaluated: 2025-12-02. Review status: criteria provided, single submitter. Criteria: Invitae Variant Classification Sherloc (09022015). Collection method: clinical testing. Allele origin: germline.

Myriad Genetics, Inc.
Classification: Likely benign for Tuberous sclerosis 2. Last evaluated: 2025-05-27. Review status: criteria provided, single submitter. Criteria: Myriad Autosomal Dominant, Autosomal Recessive and X-Linked Classification Criteria (2023). Collection method: clinical testing. Allele origin: unknown.
Comment: This variant is considered likely benign. This variant is intronic and is not expected to impact mRNA splicing.

All of Us Research Program, National Institutes of Health
Classification: Likely benign for Tuberous sclerosis syndrome. Last evaluated: 2023-05-15. Review status: criteria provided, single submitter. Criteria: ACMG Guidelines, 2015. Collection method: clinical testing. Allele origin: germline. Inheritance: Autosomal dominant inheritance. Observed: 2 variant alleles, 2 heterozygotes.
Comment: This study involves interpretation of variants in research participants for the purpose of population health screening. Participant phenotype was not available at the time of variant classification. Additional details can be found in publication PMID: 35346344, PMCID: PMC8962531

CeGaT Center for Human Genetics Tuebingen
Classification: Uncertain significance. Last evaluated: 2018-08-01. Review status: criteria provided, single submitter. Criteria: CeGaT Center For Human Genetics Tuebingen Variant Classification Criteria Version 2. Collection method: clinical testing. Allele origin: germline. Affected: yes. Observed: 1 variant allele.